The following is an entry in ClinVar:

ClinVar aggregate classification (germline): Likely benign (1 of 4 stars; one submission).

gnomAD v4.1: 78 of 1,606,136 alleles (0.0049%); highest among the groups gnomAD compares: Admixed American, 0.078%; no homozygotes.

Submission:

CeGaT Center for Human Genetics Tuebingen
Classification: Likely benign. Last evaluated: 2024-11-01. Review status: criteria provided, single submitter. Criteria: CeGaT Center For Human Genetics Tuebingen Variant Classification Criteria Version 2. Collection method: clinical testing. Allele origin: germline. Affected: yes. Observed: 1 variant allele.
Comment: MUC5B: BP4, BP7

NM_002458.3(MUC5B):c.3513C>T (p.Cys1171=)

Gene: MUC5B (mucin 5B, oligomeric mucus/gel-forming; plus strand). Cytogenetic location: 11p15.5.
Variant type: single nucleotide variant.
Coding change: c.3513C>T on transcript NM_002458.3 (MANE Select); coding-DNA position 3513, C replaced by T.
Protein change: p.Cys1171=; no amino-acid change (cysteine 1171 retained).
Molecular consequence: synonymous variant.
Genome position (GRCh38, 1-based): chr11:1,239,496, C>T. VCF-style: chr11-1239496-C-T. GRCh37 (hg19) VCF-style: chr11-1260726-C-T.
Identifiers: ClinVar variation 3388598 (VCV003388598.14).